The following is an entry in ClinVar:

ClinVar aggregate classification (germline): Pathogenic/Likely pathogenic. Review status: criteria provided, multiple submitters, no conflicts (2 of 4 stars). 6 submissions from 6 submitters: Pathogenic (2); Likely pathogenic (4). Last evaluated 2024-09-23.

Conditions:
Developmental and epileptic encephalopathy, 73. Also called: EPILEPTIC ENCEPHALOPATHY, EARLY INFANTILE, 73; Rnf13-related severe early-onset epileptic encephalopathy. Identifiers: Orphanet 544503, MedGen C5193065, MONDO:0034106, OMIM 618379.

Submissions (6):

Dasa
Classification: Likely pathogenic. Last evaluated: 2024-09-23. Review status: criteria provided, single submitter. Criteria: DASA Assertion Criteria. Collection method: clinical testing. Allele origin: germline.
Comment: NM_183381.3(RNF13):c.881_882del (p.Ser294*) is a frameshift variant in RNF13 predicted to alter the reading frame and introduce a premature termination codon and is predicted to result in an absent or altered protein product. Loss of function is an established disease mechanism for RNF13-associated disorders. This variant has been reported in individuals with RNF13-related disorders. Also, this variant is absent from population databases. Based on the currently available evidence, this variant is classified as likely pathogenic.

3billion
Classification: Pathogenic for Developmental and epileptic encephalopathy, 73. Last evaluated: 2024-02-28. Review status: criteria provided, single submitter. Criteria: ACMG Guidelines, 2015. Collection method: clinical testing. Allele origin: germline. Affected: yes.
Comment: The variant is not observed in the gnomAD v2.1.1 dataset. Predicted Consequence/Location: Stop-gained (nonsense): predicted to result in a loss or disruption of normal protein function through protein truncation. The predicted truncated protein may be shortened by more than 10%. The variant has been reported at least twice as pathogenic with clinical assertions and evidence for the classification (ClinVar ID: VCV001176469). Therefore, this variant is classified as Pathogenic according to the recommendation of ACMG/AMP guideline.

Clinical Genetics Laboratory, Skane University Hospital Lund
Classification: Likely pathogenic. Last evaluated: 2023-03-31. Review status: criteria provided, single submitter. Criteria: ACMG Guidelines, 2015. Collection method: clinical testing. Allele origin: germline. Affected: yes.

CeGaT Center for Human Genetics Tuebingen
Classification: Likely pathogenic. Last evaluated: 2021-07-01. Review status: criteria provided, single submitter. Criteria: CeGaT Center For Human Genetics Tuebingen Variant Classification Criteria Version 2. Collection method: clinical testing. Allele origin: germline. Affected: yes. Observed: 1 variant allele.

GeneDx
Classification: Pathogenic. Last evaluated: 2020-03-31. Review status: criteria provided, single submitter. Criteria: GeneDx Variant Classification Process June 2021. Collection method: clinical testing. Allele origin: germline. Affected: yes.
Comment: Not observed in large population cohorts (Lek et al., 2016); Nonsense variant predicted to result in protein truncation, although loss-of-function variants have not been reported downstream of this position in the protein; Has not been previously published as pathogenic or benign to our knowledge

Molecular Genetics Lab, CHRU Brest
Classification: Likely pathogenic for Developmental and epileptic encephalopathy, 73. Review status: criteria provided, single submitter. Criteria: ACMG Guidelines, 2015. Collection method: clinical testing. Allele origin: de novo. Affected: yes.

NM_183381.3(RNF13):c.881_882del (p.Asp293_Ser294insTer)

Gene: RNF13 (ring finger protein 13; plus strand). Cytogenetic location: 3q25.1.
Variant type: Microsatellite.
Coding change: c.881_882del on transcript NM_183381.3 (MANE Select); coding-DNA positions 881 to 882, 2 bases deleted (CT; older notation c.881_882delCT).
Protein change: p.Asp293_Ser294insTer.
Molecular consequence: nonsense. On other transcripts: non-coding transcript variant (1).
Genome position (GRCh38, 1-based): chr3:149,960,839-149,960,840, CT deleted; deleting any 2 consecutive bases within chr3:149,960,837-149,960,840 gives the same sequence; the c. name uses the placement nearest the transcript's 3' end. VCF-style (leftmost placement, unchanged base first): chr3-149960836-ACT-A. GRCh37 (hg19) VCF-style: chr3-149678623-ACT-A.
Other names: c.881_882delCT (NM_007282.4); c.881_882del, p.Asp293_Ser294insTer (NM_001378285.1, NM_001378286.1, NM_007282.4); c.524_525del, p.Asp174_Ser175insTer (NM_001378287.1, NM_001378288.1, NM_001378289.1 and 2 more transcripts); c.488_489del, p.Asp162_Ser163insTer (NM_001378291.1).
Identifiers: ClinVar variation 1176469 (VCV001176469.43), dbSNP rs2108622234, ClinGen allele CA2580615993.